The following is an entry in ClinVar:

ClinVar aggregate classification (germline): Uncertain significance. Review status: criteria provided, multiple submitters, no conflicts (2 of 4 stars). 2 submissions from 2 submitters: Uncertain significance (2). Last evaluated 2024-12-04.

Conditions:
Hereditary cancer-predisposing syndrome. Also called: Tumor predisposition; Neoplastic Syndromes, Hereditary; Hereditary Cancer Syndrome; Hereditary neoplastic syndrome. Identifiers: Orphanet 140162, MedGen C0027672, MeSH D009386, MONDO:0015356.

Submissions (2):

Ambry Genetics
Classification: Uncertain significance for Hereditary cancer-predisposing syndrome. Last evaluated: 2024-12-04. Review status: criteria provided, single submitter. Criteria: Ambry Variant Classification Scheme 2023. Collection method: clinical testing. Allele origin: germline.
Comment: The p.S558L variant (also known as c.1673C>T), located in coding exon 11 of the CTNNA1 gene, results from a C to T substitution at nucleotide position 1673. The serine at codon 558 is replaced by leucine, an amino acid with dissimilar properties. This amino acid position is conserved. In addition, the in silico prediction for this alteration is inconclusive. Based on the available evidence, the clinical significance of this variant remains unclear.

Blueprint Genetics
Classification: Uncertain significance. Last evaluated: 2023-07-24. Review status: criteria provided, single submitter. Criteria: ACMG Guidelines, 2015. Collection method: clinical testing. Allele origin: germline.

NM_001903.5(CTNNA1):c.1673C>T (p.Ser558Leu)

Gene: CTNNA1 (catenin alpha 1; plus strand). Cytogenetic location: 5q31.2.
Variant type: single nucleotide variant.
Coding change: c.1673C>T on transcript NM_001903.5 (MANE Select); coding-DNA position 1673, C replaced by T.
Protein change: p.Ser558Leu; replaces serine 558 with leucine.
Molecular consequence: missense variant.
Genome position (GRCh38, 1-based): chr5:138,924,636, C>T. VCF-style: chr5-138924636-C-T. GRCh37 (hg19) VCF-style: chr5-138260325-C-T.
Other names: c.1673C>T, p.Ser558Leu (NM_001290307.3, NM_001323982.2, NM_001323983.1 and 2 more transcripts); c.1364C>T, p.Ser455Leu (NM_001290309.3); c.1304C>T, p.Ser435Leu (NM_001290310.3); c.563C>T, p.Ser188Leu (NM_001290312.1, NM_001323987.1, NM_001323988.1 and 17 more transcripts); c.1580C>T, p.Ser527Leu (NM_001323986.2); c.224C>T, p.Ser75Leu (NM_001324006.1, NM_001324007.1, NM_001324008.1 and 2 more transcripts); c.470C>T, p.Ser157Leu (NM_001324011.1); c.320C>T, p.Ser107Leu (NM_001324012.1, NM_001324013.1); short protein forms S107L, S157L, S455L, S527L, S75L, S435L, S558L, S188L.
Identifiers: ClinVar variation 3498279 (VCV003498279.2).